The following is an entry in ClinVar:

NM_000019.4(ACAT1):c.826+2T>G

Gene: ACAT1 (acetyl-CoA acetyltransferase 1; plus strand). Cytogenetic location: 11q22.3.
Variant type: single nucleotide variant.
Coding change: c.826+2T>G on transcript NM_000019.4 (MANE Select); the canonical splice donor site of the intron after coding-DNA position 826, T replaced by G.
Molecular consequence: splice donor variant.
Genome position (GRCh38, 1-based): chr11:108,141,702, T>G. VCF-style: chr11-108141702-T-G. GRCh37 (hg19) VCF-style: chr11-108012429-T-G.
Other names: c.556+2T>G (NM_001386682.1, NM_001386681.1, NM_001386685.1 and 6 more transcripts); c.826+2T>G (NM_001386677.1); c.529+2T>G (NM_001386679.1); c.511+2T>G (NM_001386678.1).
Identifiers: ClinVar variation 930701 (VCV000930701.4), dbSNP rs2077590197, ClinGen allele CA382507935.

ClinVar aggregate classification (germline): Pathogenic/Likely pathogenic. Review status: criteria provided, multiple submitters, no conflicts (2 of 4 stars). 2 submissions from 2 submitters: Pathogenic (1); Likely pathogenic (1). Last evaluated 2024-04-17.

Conditions:
Deficiency of acetyl-CoA acetyltransferase. Also called: MITOCHONDRIAL ACETOACETYL-CoA THIOLASE DEFICIENCY; Beta-ketothiolase deficiency; 3-KETOTHIOLASE DEFICIENCY; 3-OXOTHIOLASE DEFICIENCY. Identifiers: Orphanet 134, MedGen C1536500, MONDO:0008760, OMIM 203750. Disease mechanism: loss of function.

Submissions (2):

Natera, Inc.
Classification: Pathogenic for Alpha-methylacetoacetic aciduria. Last evaluated: 2024-04-17. Review status: criteria provided, single submitter. Criteria: Natera Variant Classification Schema (03/2026). Collection method: clinical testing. Allele origin: germline.
Comment: The c.826+2T>G variant in ACAT1 is a canonical splice donor site variant predicted to affect pre-mRNA splicing, which may result in an abnormal transcript and altered protein product. This variant is expected to result in nonsense mediated decay, truncation, or a dysfunctional protein product. This variant is rare in the general population with a frequency below the threshold expected for the associated phenotype(s). Another variant at this same site results in an alteration predicted to cause a similar molecular effect has been observed in individual(s) with the associated phenotype. Given the available evidence, this variant is classified as Pathogenic.

Centre for Mendelian Genomics, University Medical Centre Ljubljana
Classification: Likely pathogenic for Deficiency of acetyl-CoA acetyltransferase. Last evaluated: 2018-10-05. Review status: criteria provided, single submitter. Criteria: ACMG Guidelines, 2015. Collection method: clinical testing. Allele origin: unknown. Affected: yes.
Comment: This variant was classified as: Likely pathogenic. The following ACMG criteria were applied in classifying this variant: PVS1,PM2.